The following is an entry in ClinVar:

ClinVar aggregate classification (germline): Likely benign. Review status: criteria provided, multiple submitters, no conflicts (2 of 4 stars). 2 submissions from 2 submitters: Likely benign (2). Last evaluated 2025-03-23.

Conditions:
Emery-Dreifuss muscular dystrophy 5, autosomal dominant (EDMD5). Also called: EMERY-DREIFUSS MUSCULAR DYSTROPHY 5. Identifiers: Orphanet 261, MedGen C2751805, MONDO:0013072, OMIM 612999.

Allele frequency attached by ClinVar (database versions not stated): gnomAD 0.00006 and 0.00007; TOPMed 0.00010.
gnomAD v4.1: 179 of 1,614,078 alleles (0.011%); highest among the groups gnomAD compares: Non-Finnish European, 0.014%; no homozygotes.

Submissions (2):

Labcorp Genetics (formerly Invitae), Labcorp
Classification: Likely benign for Emery-Dreifuss muscular dystrophy 5, autosomal dominant. Last evaluated: 2025-03-23. Review status: criteria provided, single submitter. Criteria: Invitae Variant Classification Sherloc (09022015). Collection method: clinical testing. Allele origin: germline.

CeGaT Center for Human Genetics Tuebingen
Classification: Likely benign. Last evaluated: 2022-07-01. Review status: criteria provided, single submitter. Criteria: CeGaT Center For Human Genetics Tuebingen Variant Classification Criteria Version 2. Collection method: clinical testing. Allele origin: germline. Affected: yes. Observed: 1 variant allele.
Comment: SYNE2: BP4, BP7

NM_182914.3(SYNE2):c.19911C>T (p.Asn6637=)

Gene: SYNE2 (spectrin repeat containing nuclear envelope protein 2; plus strand). Cytogenetic location: 14q23.2.
Variant type: single nucleotide variant.
Coding change: c.19911C>T on transcript NM_182914.3 (MANE Select); coding-DNA position 19911, C replaced by T.
Protein change: p.Asn6637=; no amino-acid change (asparagine 6637 retained).
Molecular consequence: synonymous variant.
Genome position (GRCh38, 1-based): chr14:64,220,487, C>T. VCF-style: chr14-64220487-C-T. GRCh37 (hg19) VCF-style: chr14-64687205-C-T.
Other names: c.19842C>T, p.Asn6614= (NM_015180.6); c.435C>T, p.Asn145= (NM_182910.2); c.813C>T, p.Asn271= (NM_182913.4).
Identifiers: ClinVar variation 1538425 (VCV001538425.31), dbSNP rs201444715, ClinGen allele CA7224634.